The following is an entry in ClinVar:

NM_020921.4(NIN):c.3422G>A (p.Arg1141Gln)

Gene: NIN (ninein; minus strand). Cytogenetic location: 14q22.1.
Variant type: single nucleotide variant.
Coding change: c.3422G>A on transcript NM_020921.4 (MANE Select); coding-DNA position 3422, G replaced by A.
Protein change: p.Arg1141Gln; replaces arginine 1141 with glutamine.
Molecular consequence: missense variant. On other transcripts: intron variant (1).
Genome position (GRCh38, 1-based): chr14:50,757,608, C>T on the plus strand (G>A on the coding strand, the complement: NIN is on the minus strand). VCF-style: chr14-50757608-C-T. GRCh37 (hg19) VCF-style: chr14-51224326-C-T.
Other names: c.3422G>A, p.Arg1141Gln (NM_182944.3, NM_182946.2); c.2399+2249G>A (NM_016350.5); short protein forms R1141Q.
Identifiers: ClinVar variation 1972035 (VCV001972035.5), dbSNP rs370714110, ClinGen allele CA7181736.

ClinVar aggregate classification (germline): Uncertain significance (1 of 4 stars; one submission).

Allele frequency attached by ClinVar (database versions not stated): gnomAD 0.00001; ExAC 0.00003; ESP Exome Variant Server 0.00008.
gnomAD v4.1: 38 of 1,613,982 alleles (0.0024%); highest among the groups gnomAD compares: South Asian, 0.0033%; no homozygotes.

Submission:

Labcorp Genetics (formerly Invitae), Labcorp
Classification: Uncertain significance. Last evaluated: 2025-03-18. Review status: criteria provided, single submitter. Criteria: Invitae Variant Classification Sherloc (09022015). Collection method: clinical testing. Allele origin: germline.
Comment: This sequence change replaces arginine, which is basic and polar, with glutamine, which is neutral and polar, at codon 1141 of the NIN protein (p.Arg1141Gln). This variant is present in population databases (rs370714110, gnomAD 0.004%). This variant has not been reported in the literature in individuals affected with NIN-related conditions. ClinVar contains an entry for this variant (Variation ID: 1972035). An algorithm developed to predict the effect of missense changes on protein structure and function outputs the following: PolyPhen-2: "Benign". The glutamine amino acid residue is found in multiple mammalian species, which suggests that this missense change does not adversely affect protein function. In summary, the available evidence is currently insufficient to determine the role of this variant in disease. Therefore, it has been classified as a Variant of Uncertain Significance.